The following is an entry in ClinVar:

ClinVar aggregate classification (germline): Uncertain significance. Review status: criteria provided, multiple submitters, no conflicts (2 of 4 stars). 3 submissions from 3 submitters: Uncertain significance (3). Last evaluated 2025-10-08.

Conditions:
Hereditary cancer-predisposing syndrome. Also called: Neoplastic Syndromes, Hereditary; Hereditary Cancer Syndrome; Tumor predisposition; Hereditary neoplastic syndrome. Identifiers: Orphanet 140162, MedGen C0027672, MeSH D009386, MONDO:0015356.
Ataxia-telangiectasia syndrome (AT). Also called: LOUIS-BAR SYNDROME; Cerebello-oculocutaneous telangiectasia; Immunodeficiency with ataxia telangiectasia; Ataxia-telangiectasia, complementation group D; AT, COMPLEMENTATION GROUP C; ATAXIA-TELANGIECTASIA, COMPLEMENTATION GROUP A. Identifiers: Orphanet 100, MedGen C0004135, MONDO:0008840, OMIM 208900.
ATM-related disorder. Also called: ATM-related disorders; ATM-related condition.

Submissions (3):

PreventionGenetics, part of Exact Sciences
Classification: Uncertain significance for ATM-related condition. Last evaluated: 2025-10-08. Review status: criteria provided, single submitter. Criteria: ACMG Guidelines, 2015. Collection method: clinical testing. Allele origin: germline.
Comment: The ATM c.696C>G variant is predicted to result in the amino acid substitution p.Ile232Met. To our knowledge, this variant has not been reported in the literature or in a large population database (gnomAD), indicating this variant is rare. This variant is classified as a variant of uncertain significance in ClinVar (Variation ID: 841034). At this time, the clinical significance of this variant is uncertain due to the absence of conclusive functional and genetic evidence.

Ambry Genetics
Classification: Uncertain significance for Hereditary cancer-predisposing syndrome. Last evaluated: 2022-12-06. Review status: criteria provided, single submitter. Criteria: Ambry Variant Classification Scheme 2023. Collection method: clinical testing. Allele origin: germline.
Comment: The p.I232M variant (also known as c.696C>G), located in coding exon 6 of the ATM gene, results from a C to G substitution at nucleotide position 696. The isoleucine at codon 232 is replaced by methionine, an amino acid with highly similar properties. This amino acid position is not well conserved in available vertebrate species. In addition, this alteration is predicted to be tolerated by in silico analysis. Since supporting evidence is limited at this time, the clinical significance of this alteration remains unclear.

Labcorp Genetics (formerly Invitae), Labcorp
Classification: Uncertain significance for Ataxia-telangiectasia syndrome. Last evaluated: 2022-06-08. Review status: criteria provided, single submitter. Criteria: Invitae Variant Classification Sherloc (09022015). Collection method: clinical testing. Allele origin: germline.
Comment: This variant is not present in population databases (gnomAD no frequency). This variant has not been reported in the literature in individuals affected with ATM-related conditions. ClinVar contains an entry for this variant (Variation ID: 841034). Advanced modeling of protein sequence and biophysical properties (such as structural, functional, and spatial information, amino acid conservation, physicochemical variation, residue mobility, and thermodynamic stability) performed at Invitae indicates that this missense variant is not expected to disrupt ATM protein function. In summary, the available evidence is currently insufficient to determine the role of this variant in disease. Therefore, it has been classified as a Variant of Uncertain Significance. This sequence change replaces isoleucine, which is neutral and non-polar, with methionine, which is neutral and non-polar, at codon 232 of the ATM protein (p.Ile232Met).

NM_000051.4(ATM):c.696C>G (p.Ile232Met)

Gene: ATM (ATM serine/threonine kinase; plus strand). Cytogenetic location: 11q22.3.
Variant type: single nucleotide variant.
Coding change: c.696C>G on transcript NM_000051.4 (MANE Select); coding-DNA position 696, C replaced by G.
Protein change: p.Ile232Met; replaces isoleucine 232 with methionine.
Molecular consequence: missense variant.
Genome position (GRCh38, 1-based): chr11:108,244,821, C>G. VCF-style: chr11-108244821-C-G. GRCh37 (hg19) VCF-style: chr11-108115548-C-G.
Other names: c.696C>G, p.Ile232Met (NM_001351834.2); short protein forms I232M.
Identifiers: ClinVar variation 841034 (VCV000841034.14), dbSNP rs1591503507, ClinGen allele CA382529100.